The following is an entry in ClinVar:

ClinVar aggregate classification (germline): Uncertain significance (1 of 4 stars; one submission).

Conditions:
Epileptic encephalopathy. Identifiers: MedGen C0543888, HP:0200134.

Submission:

Labcorp Genetics (formerly Invitae), Labcorp
Classification: Uncertain significance for Epileptic encephalopathy. Last evaluated: 2022-11-28. Review status: criteria provided, single submitter. Criteria: Invitae Variant Classification Sherloc (09022015). Collection method: clinical testing. Allele origin: germline.
Comment: This sequence change falls in intron 6 of the FASN gene. It does not directly change the encoded amino acid sequence of the FASN protein. This variant is not present in population databases (gnomAD no frequency). This variant has not been reported in the literature in individuals affected with FASN-related conditions. Algorithms developed to predict the effect of sequence changes on RNA splicing suggest that this variant may create or strengthen a splice site. In summary, the available evidence is currently insufficient to determine the role of this variant in disease. Therefore, it has been classified as a Variant of Uncertain Significance.

NM_004104.5(FASN):c.779-32_779-8dup

Gene: FASN (fatty acid synthase; minus strand). Cytogenetic location: 17q25.3.
Variant type: Duplication.
Coding change: c.779-32_779-8dup on transcript NM_004104.5 (MANE Select); 32 bases into the intron before coding-DNA position 779 through 8 bases into the intron before coding-DNA position 779, 25 bases duplicated (GGGGCTGCAGCACTGAGCCGAGCCC).
Molecular consequence: intron variant.
Genome position (GRCh38, 1-based): chr17:82,092,820-82,092,844, GGGCTCGGCTCAGTGCTGCAGCCCC duplicated on the plus strand (GGGGCTGCAGCACTGAGCCGAGCCC on the coding strand, the reverse complement: FASN is on the minus strand). VCF-style (leftmost placement, unchanged base first): chr17-82092819-A-AGGGCTCGGCTCAGTGCTGCAGCCCC. GRCh37 (hg19) VCF-style: chr17-80050695-A-AGGGCTCGGCTCAGTGCTGCAGCCCC.
Identifiers: ClinVar variation 1897956 (VCV001897956.5), dbSNP rs2509845048, ClinGen allele CA2580095435.